The following is an entry in ClinVar:

ClinVar aggregate classification (germline): Uncertain significance (1 of 4 stars; one submission).

Allele frequency attached by ClinVar (database versions not stated): gnomAD exomes 0.00001.
gnomAD v4.1: 9 of 1,614,116 alleles (0.00056%); highest among the groups gnomAD compares: Non-Finnish European, 0.00076%; no homozygotes.

Submission:

Labcorp Genetics (formerly Invitae), Labcorp
Classification: Uncertain significance. Last evaluated: 2022-08-15. Review status: criteria provided, single submitter. Criteria: Invitae Variant Classification Sherloc (09022015). Collection method: clinical testing. Allele origin: germline.
Comment: In summary, the available evidence is currently insufficient to determine the role of this variant in disease. Therefore, it has been classified as a Variant of Uncertain Significance. Algorithms developed to predict the effect of missense changes on protein structure and function are either unavailable or do not agree on the potential impact of this missense change (SIFT: "Tolerated"; PolyPhen-2: "Possibly Damaging"; Align-GVGD: "Class C0"). ClinVar contains an entry for this variant (Variation ID: 1363422). This variant has not been reported in the literature in individuals affected with NSMCE3-related conditions. This variant is present in population databases (no rsID available, gnomAD 0.002%). This sequence change replaces arginine, which is basic and polar, with glycine, which is neutral and non-polar, at codon 133 of the NSMCE3 protein (p.Arg133Gly).

NM_138704.4(NSMCE3):c.397C>G (p.Arg133Gly)

Genes: ENTREP2 (endosomal transmembrane epsin interactor 2; minus strand), NSMCE3 (NSE3 component of SMC5/6 complex; minus strand). Cytogenetic location: 15q13.1.
Variant type: single nucleotide variant.
Coding change: c.397C>G on transcript NM_138704.4 (MANE Select); coding-DNA position 397, C replaced by G.
Protein change: p.Arg133Gly; replaces arginine 133 with glycine.
Molecular consequence: missense variant. On other transcripts: intron variant (5).
Genome position (GRCh38, 1-based): chr15:29,269,309, G>C on the plus strand (C>G on the coding strand, the complement: NSMCE3 is on the minus strand). VCF-style: chr15-29269309-G-C. GRCh37 (hg19) VCF-style: chr15-29561513-G-C.
Other names: c.-12-16831C>G (NM_001387217.1, NM_001387215.1, NM_001387216.1); c.277-16831C>G (NM_001387214.1, NM_015307.2); short protein forms R133G.
Identifiers: ClinVar variation 1363422 (VCV001363422.6), dbSNP rs758146372, ClinGen allele CA391484326.